The following is an entry in ClinVar:

NM_006302.3(MOGS):c.1603C>T (p.Arg535Ter)

Gene: MOGS (mannosyl-oligosaccharide glucosidase; minus strand). Cytogenetic location: 2p13.1.
Variant type: single nucleotide variant.
Coding change: c.1603C>T on transcript NM_006302.3 (MANE Select); coding-DNA position 1603, C replaced by T.
Protein change: p.Arg535Ter; replaces arginine 535 with a stop codon.
Molecular consequence: nonsense.
Genome position (GRCh38, 1-based): chr2:74,462,186, G>A on the plus strand (C>T on the coding strand, the complement: MOGS is on the minus strand). VCF-style: chr2-74462186-G-A. GRCh37 (hg19) VCF-style: chr2-74689313-G-A.
Other names: c.1285C>T, p.Arg429Ter (NM_001146158.2); short protein forms R429*, R535*.
Identifiers: ClinVar variation 2194178 (VCV002194178.4), dbSNP rs747109742, ClinGen allele CA1724754.

ClinVar aggregate classification (germline): Likely pathogenic (1 of 4 stars; one submission).

Conditions:
MOGS-congenital disorder of glycosylation. Also called: MOGS-CDG; CDG IIb; GLUCOSIDASE I DEFICIENCY; CDG 2B. Identifiers: Orphanet 79330, MedGen C1853736, MONDO:0011629, OMIM 606056.

Allele frequency attached by ClinVar (database versions not stated): gnomAD 0.00001; gnomAD exomes 0.00001; ExAC 0.00002.
gnomAD v4.1: 9 of 1,614,048 alleles (0.00056%); highest among the groups gnomAD compares: East Asian, 0.0045%; no homozygotes.

Submission:

Labcorp Genetics (formerly Invitae), Labcorp
Classification: Likely pathogenic for MOGS-congenital disorder of glycosylation. Last evaluated: 2024-08-19. Review status: criteria provided, single submitter. Criteria: Invitae Variant Classification Sherloc (09022015). Collection method: clinical testing. Allele origin: germline.
Comment: This sequence change creates a premature translational stop signal (p.Arg535*) in the MOGS gene. While this is not anticipated to result in nonsense mediated decay, it is expected to disrupt the last 303 amino acid(s) of the MOGS protein. This variant is present in population databases (rs747109742, gnomAD 0.003%). This premature translational stop signal has been observed in individual(s) with clinical features of congenital disorder of glycosylation type 2B (PMID: 29235540, 33261925). ClinVar contains an entry for this variant (Variation ID: 2194178). This variant disrupts a region of the MOGS protein in which other variant(s) (p.Gly824Asp) have been observed in individuals with MOGS-related conditions (PMID: 33058492). This suggests that this is a clinically significant region of the protein, and that variants that disrupt it are likely to be disease-causing. In summary, the currently available evidence indicates that the variant is pathogenic, but additional data are needed to prove that conclusively. Therefore, this variant has been classified as Likely Pathogenic.

Literature cited by the submitters: PubMed 29235540; PubMed 33261925; PubMed 33058492.